The following is an entry in ClinVar:

NM_017617.5(NOTCH1):c.5739C>T (p.Phe1913=)

Gene: NOTCH1 (notch receptor 1; minus strand). Cytogenetic location: 9q34.3.
Variant type: single nucleotide variant.
Coding change: c.5739C>T on transcript NM_017617.5 (MANE Select); coding-DNA position 5739, C replaced by T.
Protein change: p.Phe1913=; no amino-acid change (phenylalanine 1913 retained).
Molecular consequence: synonymous variant.
Genome position (GRCh38, 1-based): chr9:136,500,747, G>A on the plus strand (C>T on the coding strand, the complement: NOTCH1 is on the minus strand). VCF-style: chr9-136500747-G-A. GRCh37 (hg19) VCF-style: chr9-139395199-G-A.
Identifiers: ClinVar variation 3014617 (VCV003014617.3), dbSNP rs2133326366, ClinGen allele CA467740415.

ClinVar aggregate classification (germline): Uncertain significance (1 of 4 stars; one submission).

Conditions:
Adams-Oliver syndrome 5 (AOS5). Identifiers: Orphanet 974, MedGen C4014970, MONDO:0014459, OMIM 616028.

Submission:

Labcorp Genetics (formerly Invitae), Labcorp
Classification: Uncertain significance for Adams-Oliver syndrome 5. Last evaluated: 2023-04-26. Review status: criteria provided, single submitter. Criteria: Invitae Variant Classification Sherloc (09022015). Collection method: clinical testing. Allele origin: germline.
Comment: In summary, the available evidence is currently insufficient to determine the role of this variant in disease. Therefore, it has been classified as a Variant of Uncertain Significance. This sequence change affects codon 1913 of the NOTCH1 mRNA. It is a 'silent' change, meaning that it does not change the encoded amino acid sequence of the NOTCH1 protein. This variant is not present in population databases (gnomAD no frequency). This variant has not been reported in the literature in individuals affected with NOTCH1-related conditions. Algorithms developed to predict the effect of sequence changes on RNA splicing suggest that this variant may create or strengthen a splice site.